The following is an entry in ClinVar:

ClinVar aggregate classification (germline): Conflicting classifications of pathogenicity. Review status: criteria provided, conflicting classifications (1 of 4 stars). 3 submissions from 3 submitters: Uncertain significance (2); Likely benign (1). Last evaluated 2024-09-20.

Conditions:
Microcephaly 1, primary, autosomal recessive (MCPH1). Also called: PREMATURE CHROMOSOME CONDENSATION SYNDROME; PCC SYNDROME; PREMATURE CHROMOSOME CONDENSATION WITH MICROCEPHALY AND MENTAL RETARDATION. Identifiers: Orphanet 2512, MedGen C1855081, MONDO:0009617, OMIM 251200.
Inborn genetic diseases. Identifiers: MedGen C0950123, MeSH D030342.

Allele frequency attached by ClinVar (database versions not stated): gnomAD 0.00001; TOPMed 0.00005; ExAC 0.00007; ESP Exome Variant Server 0.00008.
gnomAD v4.1: 61 of 1,612,800 alleles (0.0038%); highest among the groups gnomAD compares: East Asian, 0.018%; no homozygotes.

Submissions (3):

3billion
Classification: Likely benign for Microcephaly 1, primary, autosomal recessive. Last evaluated: 2024-09-20. Review status: criteria provided, single submitter. Criteria: ACMG Guidelines, 2015. Collection method: clinical testing. Allele origin: germline. Affected: no.
Comment: The homozygous variant was found in patients diagnosed with another variant in a different gene, with no symptoms related to the gene containing the homozygous variant.

Labcorp Genetics (formerly Invitae), Labcorp
Classification: Uncertain significance. Last evaluated: 2024-05-20. Review status: criteria provided, single submitter. Criteria: Invitae Variant Classification Sherloc (09022015). Collection method: clinical testing. Allele origin: germline.
Comment: This sequence change replaces alanine, which is neutral and non-polar, with threonine, which is neutral and polar, at codon 175 of the MCPH1 protein (p.Ala175Thr). This variant is present in population databases (rs370831760, gnomAD 0.01%). This variant has not been reported in the literature in individuals affected with MCPH1-related conditions. ClinVar contains an entry for this variant (Variation ID: 1420595). Algorithms developed to predict the effect of missense changes on protein structure and function output the following: SIFT: "Not Available"; PolyPhen-2: "Benign"; Align-GVGD: "Not Available". The threonine amino acid residue is found in multiple mammalian species, which suggests that this missense change does not adversely affect protein function. In summary, the available evidence is currently insufficient to determine the role of this variant in disease. Therefore, it has been classified as a Variant of Uncertain Significance.

Ambry Genetics
Classification: Uncertain significance for Inborn genetic diseases. Last evaluated: 2023-12-09. Review status: criteria provided, single submitter. Criteria: Ambry Variant Classification Scheme 2023. Collection method: clinical testing. Allele origin: germline.

NM_024596.5(MCPH1):c.523G>A (p.Ala175Thr)

Gene: MCPH1 (microcephalin 1; plus strand). Cytogenetic location: 8p23.1.
Variant type: single nucleotide variant.
Coding change: c.523G>A on transcript NM_024596.5 (MANE Select); coding-DNA position 523, G replaced by A.
Protein change: p.Ala175Thr; replaces alanine 175 with threonine.
Molecular consequence: missense variant. On other transcripts: non-coding transcript variant (1), intron variant (1).
Genome position (GRCh38, 1-based): chr8:6,439,039, G>A. VCF-style: chr8-6439039-G-A. GRCh37 (hg19) VCF-style: chr8-6296560-G-A.
Other names: c.523G>A, p.Ala175Thr (NM_001172574.2, NM_001322042.2, NM_001363979.1 and 1 more transcripts); c.517G>A, p.Ala173Thr (NM_001322043.2); c.421G>A, p.Ala141Thr (NM_001322045.2); c.436+2877G>A (NM_001172575.2); c.523G>A (NM_024596.3); short protein forms A173T, A175T, A141T.
Identifiers: ClinVar variation 1420595 (VCV001420595.8), dbSNP rs370831760, ClinGen allele CA4610276.